The following is an entry in ClinVar:

NM_001278512.2(AP3B2):c.2662G>A (p.Glu888Lys)

Genes: AP3B2 (adaptor related protein complex 3 subunit beta 2; minus strand), CPEB1-AS1 (CPEB1 antisense RNA 1; plus strand). Cytogenetic location: 15q25.2.
Variant type: single nucleotide variant.
Coding change: c.2662G>A on transcript NM_001278512.2 (MANE Select); coding-DNA position 2662, G replaced by A.
Protein change: p.Glu888Lys; replaces glutamic acid 888 with lysine.
Molecular consequence: missense variant.
Genome position (GRCh38, 1-based): chr15:82,662,865, C>T on the plus strand (G>A on the coding strand, the complement: AP3B2 is on the minus strand). VCF-style: chr15-82662865-C-T. GRCh37 (hg19) VCF-style: chr15-83331617-C-T.
Other names: c.2605G>A (NM_004644.3, NM_004644.4); c.2509G>A, p.Glu837Lys (NM_001278511.2); c.2605G>A, p.Glu869Lys (NM_004644.5); short protein forms E837K, E869K, E888K.
Identifiers: ClinVar variation 1547711 (VCV001547711.11), dbSNP rs566979650, ClinGen allele CA7699823.

ClinVar aggregate classification (germline): Benign/Likely benign. Review status: criteria provided, multiple submitters, no conflicts (2 of 4 stars). 4 submissions from 4 submitters: Benign (1); Likely benign (3). Last evaluated 2026-01-05.

Conditions:
Developmental and epileptic encephalopathy, 48 (DEE48). Also called: Epileptic encephalopathy, early infantile, 48. Identifiers: MedGen C4310637, MONDO:0015000, OMIM 617276.
Inborn genetic diseases. Identifiers: MedGen C0950123, MeSH D030342.
AP3B2-related disorder. Also called: AP3B2-related condition.

Allele frequency attached by ClinVar (database versions not stated): gnomAD 0.00001 and 0.00017; TOPMed 0.00007; gnomAD exomes 0.00031 and 0.00052; ExAC 0.00066; 1000 Genomes Project 30x 0.00078; 1000 Genomes Project 0.00100.
gnomAD v4.1: 496 of 1,613,640 alleles (0.031%); highest among the groups gnomAD compares: South Asian, 0.48%; 9 homozygotes.

Submissions (4):

Labcorp Genetics (formerly Invitae), Labcorp
Classification: Benign. Last evaluated: 2026-01-05. Review status: criteria provided, single submitter. Criteria: Invitae Variant Classification Sherloc (09022015). Collection method: clinical testing. Allele origin: germline.

PreventionGenetics, part of Exact Sciences
Classification: Likely benign for AP3B2-related condition. Last evaluated: 2025-12-11. Review status: criteria provided, single submitter. Criteria: ACMG Guidelines, 2015. Collection method: clinical testing. Allele origin: germline.
Comment: This variant is classified as likely benign based on ACMG/AMP sequence variant interpretation guidelines (Richards et al. 2015 PMID: 25741868, with internal and published modifications).

ARUP Laboratories, Molecular Genetics and Genomics, ARUP Laboratories
Classification: Likely benign for Developmental and epileptic encephalopathy, 48. Last evaluated: 2025-07-17. Review status: criteria provided, single submitter. Criteria: ARUP Molecular Germline Variant Investigation Process 2024. Collection method: clinical testing. Allele origin: germline.

Ambry Genetics
Classification: Likely benign for Inborn genetic diseases. Last evaluated: 2022-01-31. Review status: criteria provided, single submitter. Criteria: Ambry Variant Classification Scheme 2023. Collection method: clinical testing. Allele origin: germline.